The following is an entry in ClinVar:

NM_003072.5(SMARCA4):c.3409A>G (p.Met1137Val)

Gene: SMARCA4 (SWI/SNF related BAF chromatin remodeling complex subunit ATPase 4; plus strand). Cytogenetic location: 19p13.2.
Variant type: single nucleotide variant.
Coding change: c.3409A>G on transcript NM_003072.5 (MANE Select); coding-DNA position 3409, A replaced by G.
Protein change: p.Met1137Val; replaces methionine 1137 with valine.
Molecular consequence: missense variant. On other transcripts: non-coding transcript variant (1).
Genome position (GRCh38, 1-based): chr19:11,030,756, A>G. VCF-style: chr19-11030756-A-G. GRCh37 (hg19) VCF-style: chr19-11141432-A-G.
Other names: c.3409A>G, p.Met1137Val (NM_001128844.3, NM_001128845.2, NM_001128846.2 and 5 more transcripts); short protein forms M1137V.
Identifiers: ClinVar variation 470350 (VCV000470350.15), dbSNP rs1194707294, ClinGen allele CA404062595.

ClinVar aggregate classification (germline): Conflicting classifications of pathogenicity. Review status: criteria provided, conflicting classifications (1 of 4 stars). 4 submissions from 4 submitters: Uncertain significance (3); Likely benign (1). Last evaluated 2025-09-12.

Conditions:
Intellectual disability, autosomal dominant 16 (CSS4). Also called: COFFIN-SIRIS SYNDROME 4. Identifiers: Orphanet 1465, MedGen C3553249, MONDO:0013821, OMIM 614609.
Rhabdoid tumor predisposition syndrome 2 (RTPS2). Identifiers: Orphanet 231108, Orphanet 69077, MedGen C2750074, MONDO:0013224, OMIM 613325.
Hereditary cancer-predisposing syndrome. Also called: Hereditary neoplastic syndrome; Neoplastic Syndromes, Hereditary; Tumor predisposition; Hereditary Cancer Syndrome. Identifiers: Orphanet 140162, MedGen C0027672, MeSH D009386, MONDO:0015356.

Allele frequency attached by ClinVar (database versions not stated): gnomAD exomes 0.00001 and 0.00002.

Submissions (4):

Labcorp Genetics (formerly Invitae), Labcorp
Classification: Uncertain significance for Rhabdoid tumor predisposition syndrome 2. Last evaluated: 2025-09-12. Review status: criteria provided, single submitter. Criteria: Invitae Variant Classification Sherloc (09022015). Collection method: clinical testing. Allele origin: germline.
Comment: This sequence change replaces methionine, which is neutral and non-polar, with valine, which is neutral and non-polar, at codon 1137 of the SMARCA4 protein (p.Met1137Val). This variant is present in population databases (no rsID available, gnomAD 0.002%). This variant has not been reported in the literature in individuals affected with SMARCA4-related conditions. ClinVar contains an entry for this variant (Variation ID: 470350). Invitae Evidence Modeling of protein sequence and biophysical properties (such as structural, functional, and spatial information, amino acid conservation, physicochemical variation, residue mobility, and thermodynamic stability) indicates that this missense variant is not expected to disrupt SMARCA4 protein function with a negative predictive value of 95%. In summary, the available evidence is currently insufficient to determine the role of this variant in disease. Therefore, it has been classified as a Variant of Uncertain Significance.

Quest Diagnostics Nichols Institute San Juan Capistrano
Classification: Uncertain significance. Last evaluated: 2024-12-10. Review status: criteria provided, single submitter. Criteria: Quest Diagnostics criteria. Collection method: clinical testing. Allele origin: unknown.
Comment: The SMARCA4 c.3409A>G (p.Met1137Val) variant has not been reported in individuals with SMARCA4-related conditions in the published literature. The frequency of this variant in the general population (Genome Aggregation Database) is uninformative in the assessment of its pathogenicity. Analysis of this variant using bioinformatics tools for the prediction of the effect of amino acid changes on protein structure and function yielded predictions that this variant is benign. Based on the available information, we are unable to determine the clinical significance of this variant.

Ambry Genetics
Classification: Likely benign for Hereditary cancer-predisposing syndrome. Last evaluated: 2023-05-26. Review status: criteria provided, single submitter. Criteria: Ambry Variant Classification Scheme 2023. Collection method: clinical testing. Allele origin: germline.

Genome-Nilou Lab
Classification: Uncertain significance for Intellectual disability, autosomal dominant 16. Last evaluated: 2021-07-15. Review status: criteria provided, single submitter. Criteria: ACMG Guidelines, 2015. Collection method: clinical testing. Allele origin: germline. Affected: no.